The following is an entry in ClinVar:

NM_025137.4(SPG11):c.2445-20A>T

Gene: SPG11 (SPG11 vesicle trafficking associated, spatacsin; minus strand). Cytogenetic location: 15q21.1.
Variant type: single nucleotide variant.
Coding change: c.2445-20A>T on transcript NM_025137.4 (MANE Select); 20 bases into the intron before coding-DNA position 2445, A replaced by T.
Molecular consequence: intron variant.
Genome position (GRCh38, 1-based): chr15:44,621,954, T>A on the plus strand (A>T on the coding strand, the complement: SPG11 is on the minus strand). VCF-style: chr15-44621954-T-A. GRCh37 (hg19) VCF-style: chr15-44914152-T-A.
Other names: c.2445-20A>T (NM_001160227.2).
Identifiers: ClinVar variation 680410 (VCV000680410.9), dbSNP rs545137154, ClinGen allele CA7535244.
Genomic context (GRCh38, chr15:44,621,954, plus strand): 5'-CAGACTTGTGCTTGAAAAAATCTTGTTCCTTTATCCAGTACCTAAAAACAGTGATATAAA[T>A]TTTTTTTTTTTTAATTTTGGAGAAAAAGGCATCATTCCTTTTTATCTGCTCAAGAACATC-3'

ClinVar aggregate classification (germline): Likely benign. Review status: criteria provided, multiple submitters, no conflicts (2 of 4 stars). 5 submissions from 3 submitters: Likely benign (5). Last evaluated 2024-03-19.

Conditions:
Amyotrophic lateral sclerosis type 5 (ALS5). Also called: AMYOTROPHIC LATERAL SCLEROSIS 5, JUVENILE. Identifiers: Orphanet 300605, MedGen C1865864, MONDO:0011196, OMIM 602099.
Hereditary spastic paraplegia 11. Also called: SPASTIC PARAPLEGIA, AUTOSOMAL RECESSIVE, COMPLICATED, WITH THIN CORPUS CALLOSUM; SPASTIC PARAPLEGIA, AUTOSOMAL RECESSIVE, WITH MENTAL IMPAIRMENT AND THIN CORPUS CALLOSUM; Nakamura Osame syndrome; Autosomal recessive hereditary spastic paraplegia, mental impairment, and thin corpus callosum; Spastic Paraplegia 11; Spastic paraplegia, mental retardation and thin corpus callosum. Identifiers: Orphanet 2822, MedGen C1858479, MONDO:0011445, OMIM 604360.
Charcot-Marie-Tooth disease axonal type 2X. Also called: CHARCOT-MARIE-TOOTH DISEASE, AXONAL, AUTOSOMAL RECESSIVE, TYPE 2X; CHARCOT-MARIE-TOOTH NEUROPATHY, TYPE 2X. Identifiers: Orphanet 466775, MedGen C5569024, MONDO:0014726, OMIM 616668.

Allele frequency attached by ClinVar (database versions not stated): TOPMed 0.00022; gnomAD 0.00023 and 0.00026; gnomAD exomes 0.00032; ExAC 0.00037; 1000 Genomes Project 0.00280.
gnomAD v4.1: 179 of 582,914 alleles (0.031%); highest among the groups gnomAD compares: African/African-American, 0.14%; no homozygotes.

Submissions (5):

Labcorp Genetics (formerly Invitae), Labcorp
Classification: Likely benign for Hereditary spastic paraplegia 11. Last evaluated: 2024-03-19. Review status: criteria provided, single submitter. Criteria: Invitae Variant Classification Sherloc (09022015). Collection method: clinical testing. Allele origin: germline.

GeneDx
Classification: Likely benign. Last evaluated: 2018-03-20. Review status: criteria provided, single submitter. Criteria: GeneDx Variant Classification (06012015). Collection method: clinical testing. Allele origin: germline. Affected: yes.
Comment: This variant is considered likely benign or benign based on one or more of the following criteria: it is a conservative change, it occurs at a poorly conserved position in the protein, it is predicted to be benign by multiple in silico algorithms, and/or has population frequency not consistent with disease.

Genome-Nilou Lab
Classification: Likely benign for Amyotrophic lateral sclerosis type 5. Review status: criteria provided, single submitter. Criteria: ACMG Guidelines, 2015. Collection method: clinical testing. Allele origin: germline.

Genome-Nilou Lab
Classification: Likely benign for Charcot-Marie-Tooth disease axonal type 2X. Review status: criteria provided, single submitter. Criteria: ACMG Guidelines, 2015. Collection method: clinical testing. Allele origin: germline.

Genome-Nilou Lab
Classification: Likely benign for Hereditary spastic paraplegia 11. Review status: criteria provided, single submitter. Criteria: ACMG Guidelines, 2015. Collection method: clinical testing. Allele origin: germline.